The following is an entry in ClinVar:

ClinVar aggregate classification (germline): Likely benign. Review status: criteria provided, single submitter (1 of 4 stars). 2 submissions from 2 submitters: Likely benign (1). 1 of the submissions does not count toward it. Last evaluated 2025-11-18.

Conditions:
Hajdu-Cheney syndrome (HJCYS). Also called: Acroosteolysis dominant type; ACROOSTEOLYSIS WITH OSTEOPOROSIS AND CHANGES IN SKULL AND MANDIBLE; SERPENTINE FIBULA-POLYCYSTIC KIDNEY SYNDROME. Identifiers: Orphanet 955, MedGen C0917715, MONDO:0007057, OMIM 102500.
NOTCH2-related disorder. Also called: NOTCH2-related condition.

Allele frequency attached by ClinVar (database versions not stated): gnomAD 0.00001; TOPMed 0.00001; gnomAD exomes below 0.00001; ExAC 0.00001.
gnomAD v4.1: 4 of 1,614,110 alleles (0.00025%); highest among the groups gnomAD compares: East Asian, 0.0067%; no homozygotes.

Submissions (2):

Labcorp Genetics (formerly Invitae), Labcorp
Classification: Likely benign for Hajdu-Cheney syndrome. Last evaluated: 2025-11-18. Review status: criteria provided, single submitter. Criteria: Invitae Variant Classification Sherloc (09022015). Collection method: clinical testing. Allele origin: germline.

PreventionGenetics, part of Exact Sciences
Classification: Likely benign for NOTCH2-related condition. Last evaluated: 2022-06-01. Review status: no assertion criteria provided. Collection method: clinical testing. Allele origin: germline. Not counted in ClinVar's aggregate classification.
Comment: This variant is classified as likely benign based on ACMG/AMP sequence variant interpretation guidelines (Richards et al. 2015 PMID: 25741868, with internal and published modifications).

NM_024408.4(NOTCH2):c.2480-7T>C

Gene: NOTCH2 (notch receptor 2; minus strand). Cytogenetic location: 1p12.
Variant type: single nucleotide variant.
Coding change: c.2480-7T>C on transcript NM_024408.4 (MANE Select); 7 bases into the intron before coding-DNA position 2480, T replaced by C.
Molecular consequence: intron variant.
Genome position (GRCh38, 1-based): chr1:119,949,133, A>G on the plus strand (T>C on the coding strand, the complement: NOTCH2 is on the minus strand). VCF-style: chr1-119949133-A-G. GRCh37 (hg19) VCF-style: chr1-120491756-A-G.
Other names: c.2480-7T>C (NM_001200001.2, NM_024408.3).
Identifiers: ClinVar variation 2886737 (VCV002886737.5), dbSNP rs781987583, ClinGen allele CA1040262.
Genomic context (GRCh38, chr1:119,949,133, plus strand): 5'-CATTCTCACAAGGGTTTGGGGAACAGGGAGCCAATACTGTCTGACAATTCTTGCCTAGAA[A>G]GTAAATGACAGAGTTTATGACAGATAAACAGGTAAGAAAACGAAAATTTTCCTTATCCCA-3'